The following is an entry in ClinVar:

ClinVar aggregate classification (germline): Uncertain significance (1 of 4 stars; one submission).

Allele frequency attached by ClinVar (database versions not stated): gnomAD exomes below 0.00001.
gnomAD v4.1: 2 of 1,614,202 alleles (0.00012%); highest among the groups gnomAD compares: Non-Finnish European, 0.00017%; no homozygotes.

Submission:

CeGaT Center for Human Genetics Tuebingen
Classification: Uncertain significance. Last evaluated: 2022-12-01. Review status: criteria provided, single submitter. Criteria: CeGaT Center For Human Genetics Tuebingen Variant Classification Criteria Version 2. Collection method: clinical testing. Allele origin: germline. Affected: yes. Observed: 1 variant allele.
Comment: SRCAP: PM2

NM_006662.3(SRCAP):c.2579G>C (p.Arg860Thr)

Gene: SRCAP (Snf2 related CREBBP activator protein; plus strand). Cytogenetic location: 16p11.2.
Variant type: single nucleotide variant.
Coding change: c.2579G>C on transcript NM_006662.3 (MANE Select); coding-DNA position 2579, G replaced by C.
Protein change: p.Arg860Thr; replaces arginine 860 with threonine.
Molecular consequence: missense variant.
Genome position (GRCh38, 1-based): chr16:30,716,151, G>C. VCF-style: chr16-30716151-G-C. GRCh37 (hg19) VCF-style: chr16-30727472-G-C.
Other names: short protein forms R860T.
Identifiers: ClinVar variation 2646393 (VCV002646393.24), dbSNP rs2506645933, ClinGen allele CA395610923.